The following is an entry in ClinVar:

NM_000096.4(CP):c.1282_1286dup (p.Asp430fs)

Gene: CP (ceruloplasmin; minus strand). Cytogenetic location: 3q25.1.
Variant type: Duplication.
Coding change: c.1282_1286dup on transcript NM_000096.4 (MANE Select); coding-DNA positions 1282 to 1286, 5 bases duplicated (TACAC; older notation c.1282_1286dupTACAC).
Protein change: p.Asp430fs; shifts the reading frame from aspartic acid 430.
Molecular consequence: frameshift variant. On other transcripts: non-coding transcript variant (1).
Genome position (GRCh38, 1-based): chr3:149,202,164-149,202,168, GTGTA duplicated on the plus strand (TACAC on the coding strand, the reverse complement: CP is on the minus strand). VCF-style (leftmost placement, unchanged base first): chr3-149202163-T-TGTGTA. GRCh37 (hg19) VCF-style: chr3-148919950-T-TGTGTA.
Other names: c.1286_1290insTACAC; short protein forms D430fs.
Identifiers: ClinVar variation 17561 (VCV000017561.5), dbSNP rs386134145, ClinGen allele CA127257.

ClinVar aggregate classification (germline): Pathogenic. Review status: no assertion criteria provided (0 of 4 stars). 2 submissions from 2 submitters: Pathogenic (2). Last evaluated 2013-04-18.

Conditions:
Deficiency of ferroxidase (ACEP). Also called: Aceruloplasminemia; Deficiency of ceruloplasmin; Ceruloplasmin deficiency; Familial apoceruloplasmin deficiency; Hereditary ceruloplasmin deficiency; NEURODEGENERATION WITH BRAIN IRON ACCUMULATION 10. Identifiers: Orphanet 48818, MedGen C0878682, MONDO:0011426, OMIM 604290, HP:0025498.

Submissions (2):

GeneReviews
Classification: Pathogenic for Aceruloplasminemia. Last evaluated: 2013-04-18. Review status: no assertion criteria provided. Collection method: curation. Allele origin: unknown.
ClinVar note: Converted during submission from pathologic to Pathogenic.

OMIM
Classification: Pathogenic for ACERULOPLASMINEMIA. Last evaluated: 1995-03-28. Review status: no assertion criteria provided. Collection method: literature only. Allele origin: germline.

Literature cited by the submitters: PubMed 3574673 (cited by OMIM); PubMed 7708681 (cited by OMIM); PubMed 5912351 (cited by OMIM); PubMed 5675426 (cited by OMIM).